The following is an entry in ClinVar:

NM_003172.4(SURF1):c.845C>G (p.Ser282Cys)

Gene: SURF1 (SURF1 cytochrome c oxidase assembly factor; minus strand). Cytogenetic location: 9q34.2.
Variant type: single nucleotide variant.
Coding change: c.845C>G on transcript NM_003172.4 (MANE Select); coding-DNA position 845, C replaced by G.
Protein change: p.Ser282Cys; replaces serine 282 with cysteine.
Molecular consequence: missense variant.
Genome position (GRCh38, 1-based): chr9:133,351,971, G>C on the plus strand (C>G on the coding strand, the complement: SURF1 is on the minus strand). VCF-style: chr9-133351971-G-C. GRCh37 (hg19) VCF-style: chr9-136218826-G-C.
Other names: c.518C>G, p.Ser173Cys (NM_001280787.1); short protein forms S282C, S173C.
Identifiers: ClinVar variation 2202363 (VCV002202363.1), dbSNP rs782766438, ClinGen allele CA375693394.

ClinVar aggregate classification (germline): Uncertain significance (1 of 4 stars; one submission).

Conditions:
Leigh syndrome (NULS). Also called: Subacute necrotizing encephalopathy; Necrotizing encephalopathy infantile subacute of Leigh; Leigh's syndrome; Leigh's necrotizing encephalopathy; Leigh's disease; Leigh Syndrome (mtDNA deletion). Identifiers: Orphanet 506, MedGen C2931891, MONDO:0009723, OMIM 256000.

Allele frequency attached by ClinVar (database versions not stated): TOPMed below 0.00001.
gnomAD v4.1: 4 of 1,613,640 alleles (0.00025%); highest among the groups gnomAD compares: Admixed American, 0.0017%; no homozygotes.

Submission:

Labcorp Genetics (formerly Invitae), Labcorp
Classification: Uncertain significance for Leigh syndrome. Last evaluated: 2022-08-21. Review status: criteria provided, single submitter. Criteria: Invitae Variant Classification Sherloc (09022015). Collection method: clinical testing. Allele origin: germline.
Comment: This sequence change replaces serine, which is neutral and polar, with cysteine, which is neutral and slightly polar, at codon 282 of the SURF1 protein (p.Ser282Cys). This variant is present in population databases (no rsID available, gnomAD 0.003%). This variant has not been reported in the literature in individuals affected with SURF1-related conditions. Algorithms developed to predict the effect of missense changes on protein structure and function output the following: SIFT: "Tolerated"; PolyPhen-2: "Benign"; Align-GVGD: "Class C0". The cysteine amino acid residue is found in multiple mammalian species, which suggests that this missense change does not adversely affect protein function. In summary, the available evidence is currently insufficient to determine the role of this variant in disease. Therefore, it has been classified as a Variant of Uncertain Significance.